The following is an entry in ClinVar:

ClinVar aggregate classification (germline): Benign. Review status: reviewed by expert panel (3 of 4 stars). 21 submissions from 21 submitters: Benign (1). 20 of the submissions do not count toward it. Last evaluated 2013-09-05.

Conditions:
Hereditary nonpolyposis colorectal neoplasms. Identifiers: MedGen C0009405, MeSH D003123.
Hereditary cancer-predisposing syndrome. Also called: Tumor predisposition; Hereditary neoplastic syndrome; Neoplastic Syndromes, Hereditary; Hereditary Cancer Syndrome. Identifiers: Orphanet 140162, MedGen C0027672, MeSH D009386, MONDO:0015356.
Lynch syndrome. Identifiers: Orphanet 144, MedGen C4552100, MONDO:0005835. Disease mechanism: loss of function.
Lynch syndrome 5 (LYNCH5). Also called: Colorectal cancer, hereditary nonpolyposis, type 5; Hereditary non-polyposis colorectal cancer, type 5. Identifiers: Orphanet 144, MedGen C1833477, MONDO:0013710, OMIM 614350. Disease mechanism: loss of function.
Carcinoma of colon (CRC). Also called: Colon carcinoma; Colonic carcinoma. Identifiers: MedGen C0699790, MONDO:0002032.

Allele frequency attached by ClinVar (database versions not stated): gnomAD exomes 0.00341 and 0.00128; ESP Exome Variant Server 0.01261; TOPMed 0.01504; gnomAD 0.01363 and 0.01274; ExAC 0.00379; 1000 Genomes Project 30x 0.01577; 1000 Genomes Project 0.01478.
gnomAD v4.1: 3,909 of 1,614,002 alleles (0.24%); highest among the groups gnomAD compares: African/African-American, 4.3%; 72 homozygotes.

Submissions (21):

International Society for Gastrointestinal Hereditary Tumours (InSiGHT)
Classification: Benign for Lynch Syndrome. Last evaluated: 2013-09-05. Review status: reviewed by expert panel. Criteria: Guidelines v1.9. Collection method: research. Allele origin: germline.
Comment: MAF >1%

Classified with v1.9 guidelines
ClinVar note: Converted during submission from no known pathogenicity to Benign.

Labcorp Genetics (formerly Invitae), Labcorp
Classification: Benign for Hereditary nonpolyposis colorectal neoplasms. Last evaluated: 2026-02-03. Review status: criteria provided, single submitter. Criteria: Invitae Variant Classification Sherloc (09022015). Collection method: clinical testing. Allele origin: germline. Not counted in ClinVar's aggregate classification.

ARUP Laboratories, Molecular Genetics and Genomics, ARUP Laboratories
Classification: Benign. Last evaluated: 2025-06-17. Review status: criteria provided, single submitter. Criteria: ARUP Molecular Germline Variant Investigation Process 2024. Collection method: clinical testing. Allele origin: germline. Not counted in ClinVar's aggregate classification.

Center for Genomic Medicine, Rigshospitalet, Copenhagen University Hospital
Classification: Benign. Last evaluated: 2025-03-04. Review status: criteria provided, single submitter. Criteria: ACMG Guidelines, 2015. Collection method: clinical testing. Allele origin: germline. Not counted in ClinVar's aggregate classification.

Myriad Genetics, Inc.
Classification: Benign for Lynch syndrome 5. Last evaluated: 2024-12-30. Review status: criteria provided, single submitter. Criteria: Myriad Autosomal Dominant, Autosomal Recessive and X-Linked Classification Criteria (2023). Collection method: clinical testing. Allele origin: unknown. Not counted in ClinVar's aggregate classification.
Comment: This variant is considered benign. This variant is a silent/synonymous amino acid change and it is not expected to impact splicing.

KCCC/NGS Laboratory, Kuwait Cancer Control Center
Classification: Benign for Lynch syndrome 5. Last evaluated: 2023-07-07. Review status: criteria provided, single submitter. Criteria: ACMG Guidelines, 2015. Collection method: clinical testing. Allele origin: germline. Affected: yes. Not counted in ClinVar's aggregate classification.

Sema4
Classification: Benign for Hereditary cancer-predisposing syndrome. Last evaluated: 2020-01-30. Review status: criteria provided, single submitter. Criteria: Sema4 Curation Guidelines. Collection method: curation. Allele origin: germline. Not counted in ClinVar's aggregate classification.

Illumina Laboratory Services, Illumina
Classification: Likely benign for Lynch syndrome 5. Last evaluated: 2018-01-12. Review status: criteria provided, single submitter. Criteria: ICSL Variant Classification Criteria 13 December 2019. Collection method: clinical testing. Allele origin: germline. Not counted in ClinVar's aggregate classification.
Comment: This variant was observed in the ICSL laboratory as part of a predisposition screen in an ostensibly healthy population. It had not been previously curated by ICSL or reported in the Human Gene Mutation Database (HGMD: prior to June 1st, 2018), and was therefore a candidate for classification through an automated scoring system. Utilizing variant allele frequency, disease prevalence and penetrance estimates, and inheritance mode, an automated score was calculated to assess if this variant is too frequent to cause the disease. Based on the score and internal cut-off values, a variant classified as likely benign is not then subjected to further curation. The score for this variant resulted in a classification of likely benign for this disease.

Color Diagnostics, LLC DBA Color Health
Classification: Benign for Hereditary cancer-predisposing syndrome. Last evaluated: 2015-04-01. Review status: criteria provided, single submitter. Criteria: ACMG Guidelines, 2015. Collection method: clinical testing. Allele origin: germline. Not counted in ClinVar's aggregate classification.

GeneDx
Classification: Benign. Last evaluated: 2015-03-03. Review status: criteria provided, single submitter. Criteria: GeneDx Variant Classification Process June 2021. Collection method: clinical testing. Allele origin: germline. Affected: yes. Not counted in ClinVar's aggregate classification.

Ambry Genetics
Classification: Benign for Hereditary cancer-predisposing syndrome. Last evaluated: 2014-11-18. Review status: criteria provided, single submitter. Criteria: Ambry Variant Classification Scheme 2023. Collection method: clinical testing. Allele origin: germline. Not counted in ClinVar's aggregate classification.

Eurofins Ntd Llc (ga)
Classification: Benign. Last evaluated: 2014-04-11. Review status: criteria provided, single submitter. Criteria: EGL Classification Definitions 2015. Collection method: clinical testing. Allele origin: germline. Observed: 2 variant alleles, 2 heterozygotes. Not counted in ClinVar's aggregate classification.

Breakthrough Genomics
Classification: Benign. Review status: criteria provided, single submitter. Criteria: ACMG Guidelines, 2015. Collection method: not provided. Allele origin: germline. Inheritance: Autosomal recessive inheritance. Affected: yes. Not counted in ClinVar's aggregate classification.

PreventionGenetics, part of Exact Sciences
Classification: Benign. Review status: criteria provided, single submitter. Criteria: ACMG Guidelines, 2015. Collection method: clinical testing. Allele origin: germline. Not counted in ClinVar's aggregate classification.

True Health Diagnostics
Classification: Likely benign for Hereditary cancer-predisposing syndrome. Last evaluated: 2018-02-20. Review status: no assertion criteria provided. Collection method: clinical testing. Allele origin: germline. Not counted in ClinVar's aggregate classification.

Laboratory for Molecular Medicine, Mass General Brigham Personalized Medicine
Classification: Likely benign. Last evaluated: 2008-07-10. Review status: no assertion criteria provided. Collection method: clinical testing. Allele origin: germline. Observed: 1 variant allele. Not counted in ClinVar's aggregate classification.

Clinical Genetics, Academic Medical Center
Classification: Benign. Review status: no assertion criteria provided. Collection method: clinical testing. Allele origin: germline. Affected: yes. Study: VKGL Data-share Consensus. Not counted in ClinVar's aggregate classification.

Department of Pathology and Laboratory Medicine, Sinai Health System
Classification: Likely benign for Carcinoma of colon. Review status: no assertion criteria provided. Collection method: clinical testing. Allele origin: unknown. Affected: yes. Study: The Canadian Open Genetics Repository (COGR). Not counted in ClinVar's aggregate classification.
Comment: The MSH6 p.Leu758= variant was identified in 6 of 524 proband chromosomes (frequency: 0.01) from individuals or families with CRC and was not identified in 710 control chromosomes from healthy individuals (de Abajo 2005, Dovrat 2005, Pinto 2006). In one patient from a short family, the c.2272C>T variant was seen along with another silent variant c.1164C>T, occurring on the same chromosome; The variant was identified in dbSNP (ID: rs56371757) as â€šÃ„Ãºwith other alleleâ€šÃ„Ã¹. The variant was also identified in ClinVar as benign by InSiGHT, Invitae, Ambry Genetics, EGL Genetic Diagnostic, Eurofins Clinical Diagnostics, Prevention Genetics and Mayo Clinic Genetic Testing Laboratories: and as likely benign by Illumina Clinical Services and Laboratory for Molecular Medicine, Partners HealthCare Personalized Medicine. Furthermore, the variant is listed in the Clinvitae database as benign by Invitae and Emyclass; in Insight Colon Cancer Gene Variant Database 4X as Class 1 and in Insight Hereditary Tumors Database 4X as Class 1. In addition, the variant is listed in the 1000 Genomes Project in 74 of 5000 chromosomes (frequency: 0.01) and in the NHLBI GO Exome Sequencing Project in 4 of 8600 European American and 160 of 4406 African American alleles. The variant was not identified in Cosmic, MutDB, UMD-LSDB, Zhejiang Colon Cancer Database, or Mismatch Repair Genes Variant databases. The variant was identified in control databases in 1212 of 276758 chromosomes (26 homozygous) at a frequency of 0.004 increasing the likelihood this could be a low frequency benign variant (Genome Aggregation Database Feb 27, 2017). It was observed in the following populations: African in 1040 of 24014 chromosomes (freq: 0.04), â€šÃ„Ãºotherâ€šÃ„Ã¹ in 18 of 6456 chromosomes (freq: 0.003), Latino in 119 of 34414 chromosomes (freq: 0.003), European Non-Finnish in 35 of 126308 chromosomes (freq: 0.0003); it was not observed in the Ashkenazi Jewish, East Asian, European Finnish, and South Asian populations. The p.Leu758= variant is not expected to have clinical significance because it does not result in a change of amino acid and is not located in a known consensus splice site. In addition, in silico or computational prediction software programs (SpliceSiteFinder, MaxEntScan, NNSPLICE, GeneSplicer, HumanSpliceFinder) do not predict a difference in splicing. In summary, based on the above information the clinical significance of this variant cannot be determined with certainty at this time although we would lean towards a more benign role for this variant. This variant is classified as likely benign.

Genome Diagnostics Laboratory, Amsterdam University Medical Center
Classification: Benign. Review status: no assertion criteria provided. Collection method: clinical testing. Allele origin: germline. Affected: yes. Study: VKGL Data-share Consensus. Not counted in ClinVar's aggregate classification.

Laboratory of Diagnostic Genome Analysis, Leiden University Medical Center (LUMC)
Classification: Benign. Review status: no assertion criteria provided. Collection method: clinical testing. Allele origin: germline. Affected: yes. Study: VKGL Data-share Consensus. Not counted in ClinVar's aggregate classification.

Mayo Clinic Laboratories, Mayo Clinic
Classification: Benign. Review status: no assertion criteria provided. Collection method: research. Allele origin: unknown. Observed: 1 variant allele. Not counted in ClinVar's aggregate classification.

Literature cited by the submitters: PubMed 16270383 (cited by Laboratory for Molecular Medicine, Mass General Brigham Personalized Medicine); PubMed 16940983 (cited by Laboratory for Molecular Medicine, Mass General Brigham Personalized Medicine).

NM_000179.3(MSH6):c.2272C>T (p.Leu758=)

Gene: MSH6 (mutS homolog 6; plus strand). Cytogenetic location: 2p16.3.
Variant type: single nucleotide variant.
Coding change: c.2272C>T on transcript NM_000179.3 (MANE Select); coding-DNA position 2272, C replaced by T.
Protein change: p.Leu758=; no amino-acid change (leucine 758 retained).
Molecular consequence: synonymous variant.
Genome position (GRCh38, 1-based): chr2:47,800,255, C>T. VCF-style: chr2-47800255-C-T. GRCh37 (hg19) VCF-style: chr2-48027394-C-T.
Other names: c.1882C>T, p.Leu628= (NM_001281492.2); c.1366C>T, p.Leu456= (NM_001281493.2, NM_001281494.2).
Identifiers: ClinVar variation 42468 (VCV000042468.54), dbSNP rs56371757, ClinGen allele CA009934.
Genomic context (GRCh38, chr2:47,800,255, plus strand): 5'-GTGACATTAAACAACTTGGAGATTTTTCTGAATGGAACAAATGGTTCTACTGAAGGAACC[C>T]TACTAGAGAGGGTTGATACTTGCCATACTCCTTTTGGTAAGCGGCTCCTAAAGCAATGGC-3'
Protein context (NP_000170.1, residues 748-768): NGTNGSTEGT[Leu758=]LERVDTCHTP